The following is an entry in ClinVar:

ClinVar aggregate classification (germline): Pathogenic (1 of 4 stars; one submission).

Conditions:
Cohen syndrome (COH1). Also called: PEPPER SYNDROME; Cutis verticis gyrata, retinitis pigmentosa, and sensorineural deafness. Identifiers: Orphanet 193, MedGen C0265223, MONDO:0008999, OMIM 216550.

Submission:

Labcorp Genetics (formerly Invitae), Labcorp
Classification: Pathogenic for Cohen syndrome. Last evaluated: 2022-10-06. Review status: criteria provided, single submitter. Criteria: Invitae Variant Classification Sherloc (09022015). Collection method: clinical testing. Allele origin: germline.
Comment: This sequence change creates a premature translational stop signal (p.Lys3962Serfs*53) in the VPS13B gene. While this is not anticipated to result in nonsense mediated decay, it is expected to disrupt the last 61 amino acid(s) of the VPS13B protein. This variant is not present in population databases (gnomAD no frequency). This variant has not been reported in the literature in individuals affected with VPS13B-related conditions. ClinVar contains an entry for this variant (Variation ID: 1403469). This variant disrupts a region of the VPS13B protein in which other variant(s) (p.Lys3991Leufs*23) have been determined to be pathogenic (Invitae). This suggests that this is a clinically significant region of the protein, and that variants that disrupt it are likely to be disease-causing. For these reasons, this variant has been classified as Pathogenic.

NM_152564.5(VPS13B):c.11804_11808dup (p.Lys3937fs)

Gene: VPS13B (vacuolar protein sorting 13 homolog B; plus strand). Cytogenetic location: 8q22.2.
Variant type: Duplication.
Coding change: c.11804_11808dup on transcript NM_152564.5 (MANE Select); coding-DNA positions 11804 to 11808, 5 bases duplicated (TCACA; older notation c.11804_11808dupTCACA).
Protein change: p.Lys3937fs; shifts the reading frame from lysine 3937.
Molecular consequence: frameshift variant.
Genome position (GRCh38, 1-based): chr8:99,875,476-99,875,480, TCACA duplicated; duplicating any 5 consecutive bases within chr8:99,875,473-99,875,480 gives the same sequence; the c. name uses the placement nearest the transcript's 3' end. VCF-style (leftmost placement, unchanged base first): chr8-99875472-T-TACATC. GRCh37 (hg19) VCF-style: chr8-100887700-T-TACATC.
Other names: c.11879_11883dup, p.Lys3962fs (NM_017890.5); short protein forms K3937fs, K3962fs.
Identifiers: ClinVar variation 1403469 (VCV001403469.8), dbSNP rs1263684271, ClinGen allele CA857613225.